The following is an entry in ClinVar:

NM_002473.6(MYH9):c.1554+7A>G

Gene: MYH9 (myosin heavy chain 9; minus strand). Cytogenetic location: 22q12.3.
Variant type: single nucleotide variant.
Coding change: c.1554+7A>G on transcript NM_002473.6 (MANE Select); 7 bases into the intron after coding-DNA position 1554, A replaced by G.
Molecular consequence: intron variant.
Genome position (GRCh38, 1-based): chr22:36,314,138, T>C on the plus strand (A>G on the coding strand, the complement: MYH9 is on the minus strand). VCF-style: chr22-36314138-T-C. GRCh37 (hg19) VCF-style: chr22-36710183-T-C.
Other names: p.?; c.1554+7A>G (NM_002473.5).
Identifiers: ClinVar variation 44550 (VCV000044550.26), dbSNP rs3752462, ClinGen allele CA134512.
Genomic context (GRCh38, chr22:36,314,138, plus strand): 5'-AGGAGCGGGTGCCCCGGAAGGGAAAAGCCAGAGGCAGGTGTGAGGTCAAAGCAAGCCTGG[T>C]ACTCACTGGCTTCTCAATGAGGTCGATGCAGGGCTGCAGGTCGAGGCCAAAGTCGATGAA-3'

ClinVar aggregate classification (germline): Benign. Review status: criteria provided, multiple submitters, no conflicts (2 of 4 stars). 13 submissions from 11 submitters: Benign (13). Last evaluated 2026-02-04.

Conditions:
MYH9-related disorder. Identifiers: MedGen C1854520.
Autosomal dominant nonsyndromic hearing loss 17. Also called: Deafness, autosomal dominant 17; Autosomal dominant nonsyndromic deafness 17. Identifiers: Orphanet 90635, MedGen C1863659, MONDO:0011350, OMIM 603622.
Macrothrombocytopenia and granulocyte inclusions with or without nephritis or sensorineural hearing loss (MATINS). Also called: SEBASTIAN PLATELET SYNDROME; MACROTHROMBOCYTOPENIA WITH DISPERSED LEUKOCYTIC INCLUSIONS; MACROTHROMBOCYTOPENIA, NEPHRITIS, AND DEAFNESS; MACROTHROMBOCYTOPENIA, NEPHRITIS, DEAFNESS, AND LEUKOCYTE INCLUSIONS; ALPORT SYNDROME WITH MACROTHROMBOCYTOPENIA; Fechtner syndrome. Identifiers: Orphanet 182050, MedGen C5200934, MONDO:0015912, OMIM 155100.

Allele frequency attached by ClinVar (database versions not stated): 1000 Genomes Project 0.39357; 1000 Genomes Project 30x 0.39413; TOPMed 0.51525; gnomAD 0.52546 and 0.53193; ESP Exome Variant Server 0.53468; ExAC 0.56142; gnomAD exomes 0.56540 and 0.63283.
gnomAD v4.1: 1,001,999 of 1,613,278 alleles (62%); highest among the groups gnomAD compares: Non-Finnish European, 68%; 324,968 homozygotes.

Submissions (13):

Labcorp Genetics (formerly Invitae), Labcorp
Classification: Benign. Last evaluated: 2026-02-04. Review status: criteria provided, single submitter. Criteria: Invitae Variant Classification Sherloc (09022015). Collection method: clinical testing. Allele origin: germline.

ARUP Laboratories, Molecular Genetics and Genomics, ARUP Laboratories
Classification: Benign. Last evaluated: 2025-07-21. Review status: criteria provided, single submitter. Criteria: ARUP Molecular Germline Variant Investigation Process 2024. Collection method: clinical testing. Allele origin: germline.

Blueprint Genetics
Classification: Benign. Last evaluated: 2024-11-28. Review status: criteria provided, single submitter. Criteria: ACMG Guidelines, 2015. Collection method: clinical testing. Allele origin: germline.

Unidad de Genómica Garrahan, Hospital de Pediatría Garrahan
Classification: Benign. Last evaluated: 2024-07-15. Review status: criteria provided, single submitter. Criteria: ACMG Guidelines, 2015. Collection method: clinical testing. Allele origin: germline. Affected: no. Observed: 83 variant alleles.
Comment: This variant is classified as Benign based on local population frequency. This variant was detected in 89% of patients studied in a panel designed for Epileptic and Developmental Encephalopathy and Progressive Myoclonus Epilepsy. Number of patients: 83. Only high quality variants are reported.

Mayo Clinic Laboratories, Mayo Clinic
Classification: Benign. Last evaluated: 2022-09-29. Review status: criteria provided, single submitter. Criteria: ACMG Guidelines, 2015. Collection method: clinical testing. Allele origin: germline. Observed: 858 variant alleles.

Genome-Nilou Lab
Classification: Benign for Autosomal dominant nonsyndromic hearing loss 17. Last evaluated: 2021-09-05. Review status: criteria provided, single submitter. Criteria: ACMG Guidelines, 2015. Collection method: clinical testing. Allele origin: germline. Affected: no.

Genome-Nilou Lab
Classification: Benign for Macrothrombocytopenia and granulocyte inclusions with or without nephritis or sensorineural hearing loss. Last evaluated: 2021-09-05. Review status: criteria provided, single submitter. Criteria: ACMG Guidelines, 2015. Collection method: clinical testing. Allele origin: germline. Affected: no.

Illumina Laboratory Services, Illumina
Classification: Benign for Autosomal dominant nonsyndromic hearing loss 17. Last evaluated: 2018-01-12. Review status: criteria provided, single submitter. Criteria: ICSL Variant Classification Criteria 13 December 2019. Collection method: clinical testing. Allele origin: germline.
Comment: This variant was observed in the ICSL laboratory as part of a predisposition screen in an ostensibly healthy population. It had not been previously curated by ICSL or reported in the Human Gene Mutation Database (HGMD: prior to June 1st, 2018), and was therefore a candidate for classification through an automated scoring system. Utilizing variant allele frequency, disease prevalence and penetrance estimates, and inheritance mode, an automated score was calculated to assess if this variant is too frequent to cause the disease. Based on the score and internal cut-off values, a variant classified as benign is not then subjected to further curation. The score for this variant resulted in a classification of benign for this disease.

Illumina Laboratory Services, Illumina
Classification: Benign for MYH9-related disorder. Last evaluated: 2018-01-12. Review status: criteria provided, single submitter. Criteria: ICSL Variant Classification Criteria 13 December 2019. Collection method: clinical testing. Allele origin: germline.
Comment: the same text as in the submission from Illumina Laboratory Services, Illumina above.

GeneDx
Classification: Benign. Last evaluated: 2017-05-09. Review status: criteria provided, single submitter. Criteria: GeneDx Variant Classification (06012015). Collection method: clinical testing. Allele origin: germline. Affected: yes.
Comment: This variant is considered likely benign or benign based on one or more of the following criteria: it is a conservative change, it occurs at a poorly conserved position in the protein, it is predicted to be benign by multiple in silico algorithms, and/or has population frequency not consistent with disease.

Laboratory for Molecular Medicine, Mass General Brigham Personalized Medicine
Classification: Benign. Last evaluated: 2012-05-07. Review status: criteria provided, single submitter. Criteria: LMM Criteria. Collection method: clinical testing. Allele origin: germline. Observed: 1,165 variant alleles.

Breakthrough Genomics
Classification: Benign. Review status: criteria provided, single submitter. Criteria: ACMG Guidelines, 2015. Collection method: not provided. Allele origin: germline. Inheritance: Autosomal dominant inheritance. Affected: yes.

PreventionGenetics, part of Exact Sciences
Classification: Benign. Review status: criteria provided, single submitter. Criteria: ACMG Guidelines, 2015. Collection method: clinical testing. Allele origin: germline.